The following is an entry in ClinVar:

ClinVar aggregate classification (germline): Likely pathogenic. Review status: criteria provided, multiple submitters, no conflicts (2 of 4 stars). 3 submissions from 3 submitters: Likely pathogenic (2). 1 of the submissions does not count toward it. Last evaluated 2022-12-23.

Conditions:
Muscular dystrophy. Identifiers: Orphanet 98473, MedGen C0026850, MeSH D009136, MONDO:0020121, HP:0003560.
Dilated cardiomyopathy 1G (CMD1G). Identifiers: Orphanet 154, MedGen C1858763, MONDO:0011400, OMIM 604145.
Autosomal recessive limb-girdle muscular dystrophy type 2J (LGMDR10). Also called: MUSCULAR DYSTROPHY, LIMB-GIRDLE, AUTOSOMAL RECESSIVE 10; Limb-girdle muscular dystrophy, type 2J. Identifiers: Orphanet 140922, MedGen C1837342, MONDO:0012127, OMIM 608807.

Submissions (3):

Labcorp Genetics (formerly Invitae), Labcorp
Classification: Likely pathogenic for Dilated cardiomyopathy 1G; Autosomal recessive limb-girdle muscular dystrophy type 2J. Last evaluated: 2022-12-23. Review status: criteria provided, single submitter. Criteria: Invitae Variant Classification Sherloc (09022015). Collection method: clinical testing. Allele origin: germline.
Comment: This sequence change creates a premature translational stop signal (p.Ser20712Leufs*3) in the TTN gene. While this is not anticipated to result in nonsense mediated decay, it is expected to create a truncated TTN protein. This variant is not present in population databases (gnomAD no frequency). This variant has not been reported in the literature in individuals affected with TTN-related conditions. In summary, the currently available evidence indicates that the variant is pathogenic, but additional data are needed to prove that conclusively. Therefore, this variant has been classified as Likely Pathogenic. ClinVar contains an entry for this variant (Variation ID: 266119). This variant is located in the A band of TTN (PMID: 25589632). Truncating variants in this region are significantly overrepresented in patients affected with dilated cardiomyopathy (PMID: 25589632). Truncating variants in this region have also been reported in individuals affected with autosomal recessive centronuclear myopathy (PMID: 23975875).

Revvity Omics, Revvity
Classification: Likely pathogenic. Last evaluated: 2022-08-12. Review status: criteria provided, single submitter. Criteria: ACMG Guidelines, 2015. Collection method: clinical testing. Allele origin: germline.

Diagnostics Division, CENTRE FOR DNA FINGERPRINTING AND DIAGNOSTICS
Classification: Uncertain significance for Muscular dystrophy. Last evaluated: 2016-01-01. Review status: no assertion criteria provided. Collection method: clinical testing. Allele origin: unknown. Affected: yes. Observed: 1 heterozygote. Not counted in ClinVar's aggregate classification.
Comment: Indel variant

Literature cited by the submitters: PubMed 25589632 (cited by Labcorp Genetics (formerly Invitae), Labcorp); PubMed 23975875 (cited by Labcorp Genetics (formerly Invitae), Labcorp).

NM_001267550.2(TTN):c.62129dup (p.Ser20712fs)

Genes: TTN (titin; minus strand), TTN-AS1 (TTN antisense RNA 1; plus strand). Cytogenetic location: 2q31.2.
Variant type: Duplication.
Coding change: c.62129dup on transcript NM_001267550.2 (MANE Select); coding-DNA position 62129, one base duplicated (A; older notation c.62129dupA).
Protein change: p.Ser20712fs; shifts the reading frame from serine 20712.
Molecular consequence: frameshift variant.
Genome position (GRCh38, 1-based): chr2:178,589,596, T duplicated on the plus strand (A on the coding strand, the reverse complement: TTN is on the minus strand); the first of 2 consecutive T bases (chr2:178,589,596-178,589,597); duplicating either gives the same sequence. VCF-style (leftmost placement, unchanged base first): chr2-178589595-C-CT. GRCh37 (hg19) VCF-style: chr2-179454322-C-CT.
Other names: c.57206dup, p.Ser19071fs (NM_001256850.1); c.34934dup, p.Ser11647fs (NM_003319.4); c.54425dup, p.Ser18144fs (NM_133378.4); c.35309dup, p.Ser11772fs (NM_133432.3); c.35510dup, p.Ser11839fs (NM_133437.4); c.62129dupA (NM_001267550.2); short protein forms S11772fs, S11839fs, S18144fs, S19071fs, S11647fs, S20712fs.
Identifiers: ClinVar variation 266119 (VCV000266119.9), dbSNP rs886039913, ClinGen allele CA10588986.